The following is an entry in ClinVar:

NM_006031.6(PCNT):c.6927A>G (p.Lys2309=)

Gene: PCNT (pericentrin; plus strand). Cytogenetic location: 21q22.3.
Variant type: single nucleotide variant.
Coding change: c.6927A>G on transcript NM_006031.6 (MANE Select); coding-DNA position 6927, A replaced by G.
Protein change: p.Lys2309=; no amino-acid change (lysine 2309 retained).
Molecular consequence: synonymous variant.
Genome position (GRCh38, 1-based): chr21:46,418,209, A>G. VCF-style: chr21-46418209-A-G. GRCh37 (hg19) VCF-style: chr21-47838123-A-G.
Other names: p.K2309K:AAA>AAG; c.6573A>G, p.Lys2191= (NM_001315529.2).
Identifiers: ClinVar variation 138628 (VCV000138628.17), dbSNP rs2839246, ClinGen allele CA173066.

ClinVar aggregate classification (germline): Benign. Review status: criteria provided, multiple submitters, no conflicts (2 of 4 stars). 5 submissions from 5 submitters: Benign (5). Last evaluated 2026-02-04.

Conditions:
Microcephalic osteodysplastic primordial dwarfism type II (MOPD2). Also called: Microcephalic osteodysplastic primordial dwarfism with tooth abnormalities; OSTEODYSPLASTIC PRIMORDIAL DWARFISM, TYPE II; MOPD II. Identifiers: Orphanet 2637, MedGen C0432246, MONDO:0008872, OMIM 210720.

Allele frequency attached by ClinVar (database versions not stated): gnomAD exomes 0.07774 and 0.09404; ExAC 0.10303; gnomAD 0.17796 and 0.18636; 1000 Genomes Project 0.17831; ESP Exome Variant Server 0.17846; 1000 Genomes Project 30x 0.18520; TOPMed 0.18660.
gnomAD v4.1: 138,139 of 1,570,046 alleles (8.8%); highest among the groups gnomAD compares: African/African-American, 44%; 11,429 homozygotes.

Submissions (5):

Labcorp Genetics (formerly Invitae), Labcorp
Classification: Benign. Last evaluated: 2026-02-04. Review status: criteria provided, single submitter. Criteria: Invitae Variant Classification Sherloc (09022015). Collection method: clinical testing. Allele origin: germline.

Illumina Laboratory Services, Illumina
Classification: Benign for Microcephalic osteodysplastic primordial dwarfism type II. Last evaluated: 2018-01-12. Review status: criteria provided, single submitter. Criteria: ICSL Variant Classification Criteria 13 December 2019. Collection method: clinical testing. Allele origin: germline.
Comment: This variant was observed in the ICSL laboratory as part of a predisposition screen in an ostensibly healthy population. It had not been previously curated by ICSL or reported in the Human Gene Mutation Database (HGMD: prior to June 1st, 2018), and was therefore a candidate for classification through an automated scoring system. Utilizing variant allele frequency, disease prevalence and penetrance estimates, and inheritance mode, an automated score was calculated to assess if this variant is too frequent to cause the disease. Based on the score and internal cut-off values, a variant classified as benign is not then subjected to further curation. The score for this variant resulted in a classification of benign for this disease.

GeneDx
Classification: Benign. Last evaluated: 2014-02-26. Review status: criteria provided, single submitter. Criteria: GeneDx Variant Classification (06012015). Collection method: clinical testing. Allele origin: germline. Affected: yes.
Comment: This variant is considered likely benign or benign based on one or more of the following criteria: it is a conservative change, it occurs at a poorly conserved position in the protein, it is predicted to be benign by multiple in silico algorithms, and/or has population frequency not consistent with disease.

Genetic Services Laboratory, University of Chicago
Classification: Benign. Last evaluated: 2013-02-08. Review status: criteria provided, single submitter. Criteria: ACMG Guidelines, 2007. Collection method: clinical testing. Allele origin: germline. Inheritance: Autosomal recessive inheritance.

Breakthrough Genomics
Classification: Benign. Review status: criteria provided, single submitter. Criteria: ACMG Guidelines, 2015. Collection method: not provided. Allele origin: germline. Inheritance: Autosomal recessive inheritance. Affected: yes.